The following is an entry in ClinVar:

ClinVar aggregate classification (germline): Likely pathogenic (1 of 4 stars; one submission).

Conditions:
Cardiovascular phenotype. Identifiers: MedGen CN230736.

Allele frequency attached by ClinVar (database versions not stated): ExAC 0.00001; gnomAD exomes 0.00001.

Submission:

Ambry Genetics
Classification: Likely pathogenic for Cardiovascular phenotype. Last evaluated: 2023-11-01. Review status: criteria provided, single submitter. Criteria: Ambry Variant Classification Scheme 2023. Collection method: clinical testing. Allele origin: germline.
Comment: The p.W286* variant (also known as c.857G>A), located in coding exon 1 of the DOLK gene, results from a G to A substitution at nucleotide position 857. This changes the amino acid from a tryptophan to a stop codon within coding exon 1. This alteration impacts the last 47% of the protein, and is not expected to trigger nonsense-mediated mRNA decay. However, premature stop codons are typically deleterious in nature, a significant portion of the protein is affected, and the impacted region is critical for protein function (Ambry internal data). This variant is considered to be rare based on population cohorts in the Genome Aggregation Database (gnomAD). Based on the majority of available evidence to date, this variant is likely to be pathogenic.

NM_014908.4(DOLK):c.857G>A (p.Trp286Ter)

Gene: DOLK (dolichol kinase; minus strand). Cytogenetic location: 9q34.11.
Variant type: single nucleotide variant.
Coding change: c.857G>A on transcript NM_014908.4 (MANE Select); coding-DNA position 857, G replaced by A.
Protein change: p.Trp286Ter; replaces tryptophan 286 with a stop codon.
Molecular consequence: nonsense.
Genome position (GRCh38, 1-based): chr9:128,946,447, C>T on the plus strand (G>A on the coding strand, the complement: DOLK is on the minus strand). VCF-style: chr9-128946447-C-T. GRCh37 (hg19) VCF-style: chr9-131708726-C-T.
Other names: short protein forms W286*.
Identifiers: ClinVar variation 3226330 (VCV003226330.1), dbSNP rs766645192, ClinGen allele CA5271678.
Genomic context (GRCh38, chr9:128,946,447, plus strand): 5'-AGAGACCAATAGGCTAGGAGGTAGATGCGGGTGTCTGTCTGGAAGAGAAACTGAAGAAGC[C>T]AGAGCAGGGGATTCCTGCGGATGAGCCGGTGCAGCCAGGGTAGGACCACACCAAGGCTCA-3'